The following is an entry in ClinVar:

NM_152564.5(VPS13B):c.11664A>G (p.Glu3888=)

Gene: VPS13B (vacuolar protein sorting 13 homolog B; plus strand). Cytogenetic location: 8q22.2.
Variant type: single nucleotide variant.
Coding change: c.11664A>G on transcript NM_152564.5 (MANE Select); coding-DNA position 11664, A replaced by G.
Protein change: p.Glu3888=; no amino-acid change (glutamic acid 3888 retained).
Molecular consequence: synonymous variant.
Genome position (GRCh38, 1-based): chr8:99,871,616, A>G. VCF-style: chr8-99871616-A-G. GRCh37 (hg19) VCF-style: chr8-100883844-A-G.
Other names: c.11739A>G, p.Glu3913= (NM_017890.5).
Identifiers: ClinVar variation 3058474 (VCV003058474.2), dbSNP rs1469738744, ClinGen allele CA462458925.
Genomic context (GRCh38, chr8:99,871,616, plus strand): 5'-AGTGCTCTTCGTGGTGAGTGTCAGTGAGGACACACAGCAGCAGGCCTTCCCCGTCACAGA[A>G]ATCGACTGTGCACAGGACAGCAAGCAGAACAACTTACTCACAGTGCAGCTCAAGCAGCCA-3'
Protein context (NP_689777.3, residues 3878-3898): DTQQQAFPVT[Glu3888=]IDCAQDSKQN

ClinVar aggregate classification (germline): Likely benign (0 of 4 stars; one submission).

Conditions:
VPS13B-related disorder. Also called: VPS13B-related condition.

Allele frequency attached by ClinVar (database versions not stated): gnomAD exomes below 0.00001.
gnomAD v4.1: 1 of 1,614,174 alleles (0.000062%); highest among the groups gnomAD compares: Non-Finnish European, 0.000085%; no homozygotes.

Submission:

PreventionGenetics, part of Exact Sciences
Classification: Likely benign for VPS13B-related condition. Last evaluated: 2020-03-17. Review status: no assertion criteria provided. Collection method: clinical testing. Allele origin: germline.
Comment: This variant is classified as likely benign based on ACMG/AMP sequence variant interpretation guidelines (Richards et al. 2015 PMID: 25741868, with internal and published modifications).